The following is an entry in ClinVar:

ClinVar aggregate classification (germline): Uncertain significance (1 of 4 stars; one submission).

gnomAD v4.1: 35 of 1,606,364 alleles (0.0022%); highest among the groups gnomAD compares: South Asian, 0.015%; no homozygotes.

Submission:

GeneDx
Classification: Uncertain significance. Last evaluated: 2025-08-08. Review status: criteria provided, single submitter. Criteria: GeneDx Variant Classification Process June 2021. Collection method: clinical testing. Allele origin: germline. Affected: yes.
Comment: In silico analysis suggests that this missense variant does not alter protein structure/function; Has not been previously published as pathogenic or benign to our knowledge

NM_001198533.2(OXR1):c.361G>A (p.Glu121Lys)

Gene: OXR1 (oxidation resistance 1; plus strand). Cytogenetic location: 8q23.1.
Variant type: single nucleotide variant.
Coding change: c.361G>A on transcript NM_001198533.2 (MANE Select); coding-DNA position 361, G replaced by A.
Protein change: p.Glu121Lys; replaces glutamic acid 121 with lysine.
Molecular consequence: missense variant.
Genome position (GRCh38, 1-based): chr8:106,683,256, G>A. VCF-style: chr8-106683256-G-A. GRCh37 (hg19) VCF-style: chr8-107695484-G-A.
Other names: c.364G>A, p.Glu122Lys (NM_001198532.1); c.361G>A, p.Glu121Lys (NM_018002.3); c.340G>A, p.Glu114Lys (NM_181354.4); short protein forms E114K, E121K, E122K.
Identifiers: ClinVar variation 4755998 (VCV004755998.1).